The following is an entry in ClinVar:

ClinVar aggregate classification (germline): Uncertain significance (1 of 4 stars; one submission).

Allele frequency attached by ClinVar (database versions not stated): TOPMed below 0.00001; gnomAD 0.00001.
gnomAD v4.1: 4 of 1,613,972 alleles (0.00025%); highest among the groups gnomAD compares: South Asian, 0.0022%; no homozygotes.

Submission:

Ambry Genetics
Classification: Uncertain significance. Last evaluated: 2024-06-20. Review status: criteria provided, single submitter. Criteria: Ambry Variant Classification Scheme 2023. Collection method: clinical testing. Allele origin: germline.
Comment: The p.K579N variant (also known as c.1737G>T), located in coding exon 9 of the PALLD gene, results from a G to T substitution at nucleotide position 1737. The lysine at codon 579 is replaced by asparagine, an amino acid with similar properties. This amino acid position is conserved. In addition, this alteration is predicted to be tolerated by in silico analysis. Since supporting evidence is limited at this time, the clinical significance of this alteration remains unclear.

NM_001166108.2(PALLD):c.1737G>T (p.Lys579Asn)

Gene: PALLD (palladin, cytoskeletal associated protein; plus strand). Cytogenetic location: 4q32.3.
Variant type: single nucleotide variant.
Coding change: c.1737G>T on transcript NM_001166108.2 (MANE Select); coding-DNA position 1737, G replaced by T.
Protein change: p.Lys579Asn; replaces lysine 579 with asparagine.
Molecular consequence: missense variant.
Genome position (GRCh38, 1-based): chr4:168,711,696, G>T. VCF-style: chr4-168711696-G-T. GRCh37 (hg19) VCF-style: chr4-169632847-G-T.
Other names: c.591G>T, p.Lys197Asn (NM_001166109.2); c.1737G>T, p.Lys579Asn (NM_016081.4); short protein forms K579N, K197N.
Identifiers: ClinVar variation 1779111 (VCV001779111.3), dbSNP rs1475917944, ClinGen allele CA358798105.